The following is an entry in ClinVar:

NM_003922.4(HERC1):c.6607C>G (p.Pro2203Ala)

Gene: HERC1 (HECT and RLD domain containing E3 ubiquitin protein ligase family member 1; minus strand). Cytogenetic location: 15q22.31.
Variant type: single nucleotide variant.
Coding change: c.6607C>G on transcript NM_003922.4 (MANE Select); coding-DNA position 6607, C replaced by G.
Protein change: p.Pro2203Ala; replaces proline 2203 with alanine.
Molecular consequence: missense variant.
Genome position (GRCh38, 1-based): chr15:63,678,308, G>C on the plus strand (C>G on the coding strand, the complement: HERC1 is on the minus strand). VCF-style: chr15-63678308-G-C. GRCh37 (hg19) VCF-style: chr15-63970507-G-C.
Other names: short protein forms P2203A.
Identifiers: ClinVar variation 4743313 (VCV004743313.1).

ClinVar aggregate classification (germline): Uncertain significance (1 of 4 stars; one submission).

Submission:

Labcorp Genetics (formerly Invitae), Labcorp
Classification: Uncertain significance. Last evaluated: 2025-11-12. Review status: criteria provided, single submitter. Criteria: Invitae Variant Classification Sherloc (09022015). Collection method: clinical testing. Allele origin: germline.
Comment: This sequence change replaces proline, which is neutral and non-polar, with alanine, which is neutral and non-polar, at codon 2203 of the HERC1 protein (p.Pro2203Ala). This variant is not present in population databases (gnomAD no frequency). This variant has not been reported in the literature in individuals affected with HERC1-related conditions. Invitae Evidence Modeling of protein sequence and biophysical properties (such as structural, functional, and spatial information, amino acid conservation, physicochemical variation, residue mobility, and thermodynamic stability) indicates that this missense variant is not expected to disrupt HERC1 protein function with a negative predictive value of 80%. In summary, the available evidence is currently insufficient to determine the role of this variant in disease. Therefore, it has been classified as a Variant of Uncertain Significance.